The following is an entry in ClinVar:

NM_000268.4(NF2):c.503T>A (p.Leu168Ter)

Gene: NF2 (NF2, moesin-ezrin-radixin like (MERLIN) tumor suppressor; plus strand). Cytogenetic location: 22q12.2.
Variant type: single nucleotide variant.
Coding change: c.503T>A on transcript NM_000268.4 (MANE Select); coding-DNA position 503, T replaced by A.
Protein change: p.Leu168Ter; replaces leucine 168 with a stop codon.
Molecular consequence: nonsense. On other transcripts: intron variant (1), 5 prime UTR variant (1).
Genome position (GRCh38, 1-based): chr22:29,654,712, T>A. VCF-style: chr22-29654712-T-A. GRCh37 (hg19) VCF-style: chr22-30050701-T-A.
Other names: c.254T>A, p.Leu85Ter (NM_181830.3, NM_181831.3, NM_001407063.1 and 1 more transcripts); c.503T>A, p.Leu168Ter (NM_181832.3, NM_001407057.1, NM_001407059.1 and 4 more transcripts); c.447+12427T>A (NM_181833.3); c.389T>A, p.Leu130Ter (NM_001407053.1, NM_001407056.1); c.380T>A, p.Leu127Ter (NM_001407054.1, NM_001407058.1, NM_001407062.1 and 1 more transcripts); c.377T>A, p.Leu126Ter (NM_001407055.1, NM_181828.3); c.-138T>A (NM_001407065.1); c.272T>A, p.Leu91Ter (NM_001407067.1); short protein forms L126*, L85*, L130*, L168*, L127*, L91*.
Identifiers: ClinVar variation 2819559 (VCV002819559.3), dbSNP rs2146967302, ClinGen allele CA411142231.

ClinVar aggregate classification (germline): Pathogenic (1 of 4 stars; one submission).

Conditions:
Neurofibromatosis, type 2 (SWNV). Also called: BILATERAL ACOUSTIC NEUROFIBROMATOSIS; NF2-Related Schwannomatosis; SCHWANNOMATOSIS, VESTIBULAR. Identifiers: Orphanet 637, MedGen C0027832, MONDO:0007039, OMIM 101000. Disease mechanism: loss of function.

Submission:

Labcorp Genetics (formerly Invitae), Labcorp
Classification: Pathogenic for Neurofibromatosis, type 2. Last evaluated: 2022-12-08. Review status: criteria provided, single submitter. Criteria: Invitae Variant Classification Sherloc (09022015). Collection method: clinical testing. Allele origin: germline.
Comment: For these reasons, this variant has been classified as Pathogenic. This variant has not been reported in the literature in individuals affected with NF2-related conditions. This variant is not present in population databases (gnomAD no frequency). This sequence change creates a premature translational stop signal (p.Leu168*) in the NF2 gene. It is expected to result in an absent or disrupted protein product. Loss-of-function variants in NF2 are known to be pathogenic (PMID: 9643284, 16983642).

Literature cited by the submitters: PubMed 9643284; PubMed 16983642.